The following is an entry in ClinVar:

ClinVar aggregate classification (germline): Uncertain significance (1 of 4 stars; one submission).

Conditions:
Long QT syndrome (LQTS). Identifiers: MedGen C0023976, MeSH D008133, MONDO:0002442. Disease mechanism: loss of function. Inheritance: Various modes of inheritance.

Submission:

Labcorp Genetics (formerly Invitae), Labcorp
Classification: Uncertain significance for Long QT syndrome. Last evaluated: 2024-01-09. Review status: criteria provided, single submitter. Criteria: Invitae Variant Classification Sherloc (09022015). Collection method: clinical testing. Allele origin: germline.
Comment: This sequence change replaces glutamic acid, which is acidic and polar, with glutamine, which is neutral and polar, at codon 445 of the CACNA1C protein (p.Glu445Gln). This variant is not present in population databases (gnomAD no frequency). This variant has not been reported in the literature in individuals affected with CACNA1C-related conditions. ClinVar contains an entry for this variant (Variation ID: 1058349). Advanced modeling of protein sequence and biophysical properties (such as structural, functional, and spatial information, amino acid conservation, physicochemical variation, residue mobility, and thermodynamic stability) performed at Invitae indicates that this missense variant is expected to disrupt CACNA1C protein function with a positive predictive value of 95%. In summary, the available evidence is currently insufficient to determine the role of this variant in disease. Therefore, it has been classified as a Variant of Uncertain Significance.

NM_000719.7(CACNA1C):c.1333G>C (p.Glu445Gln)

Gene: CACNA1C (calcium voltage-gated channel subunit alpha1 C; plus strand). Cytogenetic location: 12p13.33.
Variant type: single nucleotide variant.
Coding change: c.1333G>C on transcript NM_000719.7 (MANE Select); coding-DNA position 1333, G replaced by C.
Protein change: p.Glu445Gln; replaces glutamic acid 445 with glutamine.
Molecular consequence: missense variant.
Genome position (GRCh38, 1-based): chr12:2,512,927, G>C. VCF-style: chr12-2512927-G-C. GRCh37 (hg19) VCF-style: chr12-2622093-G-C.
Other names: c.1333G>C, p.Glu445Gln (NM_001129827.2, NM_001129829.2, NM_001129830.3 and 18 more transcripts); c.1324G>C, p.Glu442Gln (NM_001129844.2); short protein forms E442Q, E445Q.
Identifiers: ClinVar variation 1058349 (VCV001058349.9), dbSNP rs1238581042, ClinGen allele CA383367153.